The following is an entry in ClinVar:

NM_144670.6(A2ML1):c.2149T>C (p.Ser717Pro)

Gene: A2ML1 (alpha-2-macroglobulin like 1; plus strand). Cytogenetic location: 12p13.31.
Variant type: single nucleotide variant.
Coding change: c.2149T>C on transcript NM_144670.6 (MANE Select); coding-DNA position 2149, T replaced by C.
Protein change: p.Ser717Pro; replaces serine 717 with proline.
Molecular consequence: missense variant.
Genome position (GRCh38, 1-based): chr12:8,850,189, T>C. VCF-style: chr12-8850189-T-C. GRCh37 (hg19) VCF-style: chr12-9002785-T-C.
Other names: c.676T>C, p.Ser226Pro (NM_001282424.3); c.2149T>C (NM_144670.3); short protein forms S717P, S226P.
Identifiers: ClinVar variation 2857585 (VCV002857585.4), dbSNP rs1238150217, ClinGen allele CA383832117.

ClinVar aggregate classification (germline): Uncertain significance. Review status: criteria provided, multiple submitters, no conflicts (2 of 4 stars). 2 submissions from 2 submitters: Uncertain significance (2). Last evaluated 2025-10-11.

Allele frequency attached by ClinVar (database versions not stated): gnomAD exomes below 0.00001; gnomAD 0.00001; TOPMed 0.00001.
gnomAD v4.1: 2 of 1,612,126 alleles (0.00012%); highest among the groups gnomAD compares: African/African-American, 0.0027%; no homozygotes.

Submissions (2):

Ambry Genetics
Classification: Uncertain significance. Last evaluated: 2025-10-11. Review status: criteria provided, single submitter. Criteria: Ambry Variant Classification Scheme 2023. Collection method: clinical testing. Allele origin: germline.
Comment: The p.S717P variant (also known as c.2149T>C), located in coding exon 18 of the A2ML1 gene, results from a T to C substitution at nucleotide position 2149. The serine at codon 717 is replaced by proline, an amino acid with similar properties. This amino acid position is conserved. In addition, this alteration is predicted to be tolerated by in silico analysis. Based on the available evidence, the clinical significance of this variant remains unclear.

Labcorp Genetics (formerly Invitae), Labcorp
Classification: Uncertain significance. Last evaluated: 2023-04-19. Review status: criteria provided, single submitter. Criteria: Invitae Variant Classification Sherloc (09022015). Collection method: clinical testing. Allele origin: germline.
Comment: Algorithms developed to predict the effect of missense changes on protein structure and function output the following: SIFT: "Not Available"; PolyPhen-2: "Benign"; Align-GVGD: "Not Available". The proline amino acid residue is found in multiple mammalian species, which suggests that this missense change does not adversely affect protein function. In summary, the available evidence is currently insufficient to determine the role of this variant in disease. Therefore, it has been classified as a Variant of Uncertain Significance. This variant has not been reported in the literature in individuals affected with A2ML1-related conditions. This sequence change replaces serine, which is neutral and polar, with proline, which is neutral and non-polar, at codon 717 of the A2ML1 protein (p.Ser717Pro). This variant is not present in population databases (gnomAD no frequency).